The following is an entry in ClinVar:

NC_000006.11:g.(?_51609173)_(51611697_?)del

Gene: PKHD1 (PKHD1 ciliary IPT domain containing fibrocystin/polyductin; minus strand). Cytogenetic location: 6p12.3.
Variant type: Deletion.
Identifiers: ClinVar variation 1345164 (VCV001345164.7).

ClinVar aggregate classification (germline): Likely pathogenic (1 of 4 stars; one submission).

Conditions:
Autosomal recessive polycystic kidney disease (ARPKD). Also called: AR polycystic kidney disease. Identifiers: Orphanet 731, Orphanet 8378, MedGen C0085548, MeSH D017044, MONDO:0009889.

Submission:

Labcorp Genetics (formerly Invitae), Labcorp
Classification: Likely pathogenic for Autosomal recessive polycystic kidney disease. Last evaluated: 2020-12-01. Review status: criteria provided, single submitter. Criteria: Invitae Variant Classification Sherloc (09022015). Collection method: clinical testing. Allele origin: germline.
Comment: This variant is a gross deletion of the genomic region encompassing exon(s) 59-60 of the PKHD1 gene. This variant would be expected to be in-frame, preserving the integrity of the reading frame. In summary, the currently available evidence indicates that the variant is pathogenic, but additional data are needed to prove that conclusively. Therefore, this variant has been classified as Likely Pathogenic. This variant disrupts the p.Arg3333 amino acid residue in PKHD1. Other variant(s) that disrupt this residue have been determined to be pathogenic (PMID: 15805161, Invitae). This suggests that this residue is clinically significant, and that variants that disrupt this residue are likely to be disease-causing. This variant has not been reported in the literature in individuals with PKHD1-related conditions.

Literature cited by the submitters: PubMed 15805161.